The following is an entry in ClinVar:

NM_005327.7(HADH):c.754G>A (p.Ala252Thr)

Gene: HADH (hydroxyacyl-CoA dehydrogenase; plus strand). Cytogenetic location: 4q25.
Variant type: single nucleotide variant.
Coding change: c.754G>A on transcript NM_005327.7 (MANE Select); coding-DNA position 754, G replaced by A.
Protein change: p.Ala252Thr; replaces alanine 252 with threonine.
Molecular consequence: missense variant.
Genome position (GRCh38, 1-based): chr4:108,033,220, G>A. VCF-style: chr4-108033220-G-A. GRCh37 (hg19) VCF-style: chr4-108954376-G-A.
Other names: c.805G>A, p.Ala269Thr (NM_001184705.4); c.766G>A, p.Ala256Thr (NM_001331027.2); short protein forms A252T, A256T, A269T.
Identifiers: ClinVar variation 4680878 (VCV004680878.1).

ClinVar aggregate classification (germline): Uncertain significance (1 of 4 stars; one submission).

gnomAD v4.1: 2 of 1,611,214 alleles (0.00012%); highest among the groups gnomAD compares: Non-Finnish European, 0.00017%; no homozygotes.

Submission:

GeneDx
Classification: Uncertain significance. Last evaluated: 2025-07-03. Review status: criteria provided, single submitter. Criteria: GeneDx Variant Classification Process June 2021. Collection method: clinical testing. Allele origin: germline. Affected: yes.
Comment: Not observed at significant frequency in large population cohorts (gnomAD); In silico analysis supports that this missense variant has a deleterious effect on protein structure/function; Has not been previously published as pathogenic or benign to our knowledge